The following is an entry in ClinVar:

ClinVar aggregate classification (germline): Uncertain significance (1 of 4 stars; one submission).

Conditions:
Congenital myasthenic syndrome 2A. Also called: Myasthenic syndrome, congenital, 2a, slow-channel. Identifiers: Orphanet 590, MedGen C4225374, MONDO:0014581, OMIM 616313.

Submission:

Labcorp Genetics (formerly Invitae), Labcorp
Classification: Uncertain significance for Congenital myasthenic syndrome 2A. Last evaluated: 2022-11-26. Review status: criteria provided, single submitter. Criteria: Invitae Variant Classification Sherloc (09022015). Collection method: clinical testing. Allele origin: germline.
Comment: In summary, the available evidence is currently insufficient to determine the role of this variant in disease. Therefore, it has been classified as a Variant of Uncertain Significance. Advanced modeling of protein sequence and biophysical properties (such as structural, functional, and spatial information, amino acid conservation, physicochemical variation, residue mobility, and thermodynamic stability) performed at Invitae indicates that this missense variant is not expected to disrupt CHRNB1 protein function. This variant has not been reported in the literature in individuals affected with CHRNB1-related conditions. This variant is not present in population databases (gnomAD no frequency). This sequence change replaces proline, which is neutral and non-polar, with leucine, which is neutral and non-polar, at codon 423 of the CHRNB1 protein (p.Pro423Leu).

NM_000747.3(CHRNB1):c.1268C>T (p.Pro423Leu)

Gene: CHRNB1 (cholinergic receptor nicotinic beta 1 subunit; plus strand). Cytogenetic location: 17p13.1.
Variant type: single nucleotide variant.
Coding change: c.1268C>T on transcript NM_000747.3 (MANE Select); coding-DNA position 1268, C replaced by T.
Protein change: p.Pro423Leu; replaces proline 423 with leucine.
Molecular consequence: missense variant.
Genome position (GRCh38, 1-based): chr17:7,455,844, C>T. VCF-style: chr17-7455844-C-T. GRCh37 (hg19) VCF-style: chr17-7359163-C-T.
Other names: short protein forms P423L.
Identifiers: ClinVar variation 2816408 (VCV002816408.3), dbSNP rs138920330, ClinGen allele CA397802427.